The following is an entry in ClinVar:

NM_007294.4(BRCA1):c.5369C>A (p.Ser1790Tyr)

Gene: BRCA1 (BRCA1 DNA repair associated; minus strand). Cytogenetic location: 17q21.31.
Variant type: single nucleotide variant.
Coding change: c.5369C>A on transcript NM_007294.4 (MANE Select); coding-DNA position 5369, C replaced by A.
Protein change: p.Ser1790Tyr; replaces serine 1790 with tyrosine.
Molecular consequence: missense variant. On other transcripts: non-coding transcript variant (1), intron variant (1).
Genome position (GRCh38, 1-based): chr17:43,049,158, G>T on the plus strand (C>A on the coding strand, the complement: BRCA1 is on the minus strand). VCF-style: chr17-43049158-G-T. GRCh37 (hg19) VCF-style: chr17-41201175-G-T.
Other names: c.5156C>A, p.Ser1719Tyr (NM_001407571.1, NM_001407907.1, NM_001407908.1 and 12 more transcripts); c.5435C>A, p.Ser1812Tyr (NM_001407581.1, NM_001407582.1); c.5432C>A, p.Ser1811Tyr (NM_001407583.1, NM_001407585.1, NM_001407587.1 and 1 more transcripts); c.5429C>A, p.Ser1810Tyr (NM_001407590.1, NM_001407591.1); c.5369C>A, p.Ser1790Tyr (NM_001407593.1, NM_001407594.1, NM_001407596.1 and 5 more transcripts); c.5366C>A, p.Ser1789Tyr (NM_001407610.1, NM_001407611.1, NM_001407612.1 and 14 more transcripts); c.5363C>A, p.Ser1788Tyr (NM_001407627.1, NM_001407628.1, NM_001407629.1 and 13 more transcripts); c.5354C>A, p.Ser1785Tyr (NM_001407647.1); and 73 more; short protein forms S1790Y, S1743Y, S1811Y, S686Y, S616Y, S638Y, S639Y, S640Y.
Identifiers: ClinVar variation 865390 (VCV000865390.3), dbSNP rs2051084243, ClinGen allele CA10590731.
Genomic context (GRCh38, chr17:43,049,158, plus strand): 5'-CTGACAGGGCACCCAATACTTACTGTGCCAAGGGTGAATGATGAAAGCTCCTTCACCACA[G>T]AAGCACCACACAGCTGTACCATCCATTCCAGTTGATCTAAAATGGACATTTAGATGTAAA-3'
Protein context (NP_009225.1, residues 1780-1800): LEWMVQLCGA[Ser1790Tyr]VVKELSSFTL

Conditions:
Breast-ovarian cancer, familial, susceptibility to, 1 (BROVCA1). Also called: BRCA1 Hereditary Breast and Ovarian Cancer; OVARIAN CANCER, SUSCEPTIBILITY TO. Identifiers: Orphanet 145, MedGen C2676676, MONDO:0011450, OMIM 604370. Disease mechanism: loss of function.

Submission:

Brotman Baty Institute, University of Washington
No classification provided (evidence only). Condition: Breast-ovarian cancer, familial 1. Review status: no classification provided. Collection method: in vitro. Allele origin: not applicable. Functional consequence: functionally_normal.
ClinVar note: "not provided" was previously submitted as the classification for the variant. However, the classification appeared to be based only on an observation of functional data so it was converted to no classification on 2025-07-30.